The following is an entry in ClinVar:

ClinVar aggregate classification (germline): Benign/Likely benign. Review status: criteria provided, multiple submitters, no conflicts (2 of 4 stars). 2 submissions from 2 submitters: Benign (1); Likely benign (1). Last evaluated 2025-12-15.

Conditions:
Pitt-Hopkins-like syndrome 2 (PTHSL2). Identifiers: Orphanet 221150, Orphanet 600663, MedGen C3280479, MONDO:0013690, OMIM 614325.

Allele frequency attached by ClinVar (database versions not stated): gnomAD exomes 0.00002 and 0.00004; ExAC 0.00003.
gnomAD v4.1: 21 of 1,579,558 alleles (0.0013%); highest among the groups gnomAD compares: South Asian, 0.018%; no homozygotes.

Submissions (2):

Labcorp Genetics (formerly Invitae), Labcorp
Classification: Likely benign for Pitt-Hopkins-like syndrome 2. Last evaluated: 2025-12-15. Review status: criteria provided, single submitter. Criteria: Invitae Variant Classification Sherloc (09022015). Collection method: clinical testing. Allele origin: germline.

Athena Diagnostics
Classification: Benign. Last evaluated: 2025-10-01. Review status: criteria provided, single submitter. Criteria: Athena Diagnostics Criteria. Collection method: clinical testing. Allele origin: unknown.
Comment: The frequency of this variant in the general population is higher than would generally be expected for pathogenic variants in this gene. Computational tools yielded predictions that this variant is unlikely to have an effect on normal RNA splicing. This nucleotide position exhibits low evolutionary conservation.

NM_001330078.2(NRXN1):c.2829A>G (p.Leu943=)

Gene: NRXN1 (neurexin 1; minus strand). Cytogenetic location: 2p16.3.
Variant type: single nucleotide variant.
Coding change: c.2829A>G on transcript NM_001330078.2 (MANE Select); coding-DNA position 2829, A replaced by G.
Protein change: p.Leu943=; no amino-acid change (leucine 943 retained).
Molecular consequence: synonymous variant.
Genome position (GRCh38, 1-based): chr2:50,497,383, T>C on the plus strand (A>G on the coding strand, the complement: NRXN1 is on the minus strand). VCF-style: chr2-50497383-T-C. GRCh37 (hg19) VCF-style: chr2-50724521-T-C.
Other names: c.2949A>G, p.Leu983= (NM_001135659.3); c.2805A>G, p.Leu935= (NM_001330077.2, NM_001330082.2); c.2763A>G, p.Leu921= (NM_001330083.2, NM_001330084.2); c.2802A>G, p.Leu934= (NM_001330085.2); c.2829A>G, p.Leu943= (NM_001330086.2, NM_004801.6); c.2718A>G, p.Leu906= (NM_001330087.2, NM_001330096.2); c.2748A>G, p.Leu916= (NM_001330088.2); c.2826A>G, p.Leu942= (NM_001330093.2); and 2 more.
Identifiers: ClinVar variation 238557 (VCV000238557.12), dbSNP rs754048752, ClinGen allele CA1654729.